The following is an entry in ClinVar:

NM_000071.3(CBS):c.326G>A (p.Cys109Tyr)

Gene: CBS (cystathionine beta-synthase; minus strand). Cytogenetic location: 21q22.3.
Variant type: single nucleotide variant.
Coding change: c.326G>A on transcript NM_000071.3 (MANE Select); coding-DNA position 326, G replaced by A.
Protein change: p.Cys109Tyr; replaces cysteine 109 with tyrosine.
Molecular consequence: missense variant.
Genome position (GRCh38, 1-based): chr21:43,066,368, C>T on the plus strand (G>A on the coding strand, the complement: CBS is on the minus strand). VCF-style: chr21-43066368-C-T. GRCh37 (hg19) VCF-style: chr21-44486478-C-T.
Other names: c.326G>A, p.Cys109Tyr (NM_001178008.3, NM_001178009.3, NM_001320298.2); c.11G>A, p.Cys4Tyr (NM_001321072.1); short protein forms C109Y, C4Y.
Identifiers: ClinVar variation 2850167 (VCV002850167.3), dbSNP rs2517454427, ClinGen allele CA410601944.

ClinVar aggregate classification (germline): Likely pathogenic (1 of 4 stars; one submission).

Conditions:
HYPERHOMOCYSTEINEMIA, THROMBOTIC, CBS-RELATED. Identifiers: MedGen C3150344, OMIM 236200.

Submission:

Labcorp Genetics (formerly Invitae), Labcorp
Classification: Likely pathogenic for HYPERHOMOCYSTEINEMIA, THROMBOTIC, CBS-RELATED. Last evaluated: 2024-06-21. Review status: criteria provided, single submitter. Criteria: Invitae Variant Classification Sherloc (09022015). Collection method: clinical testing. Allele origin: germline.
Comment: This sequence change replaces cysteine, which is neutral and slightly polar, with tyrosine, which is neutral and polar, at codon 109 of the CBS protein (p.Cys109Tyr). This variant is not present in population databases (gnomAD no frequency). This variant has not been reported in the literature in individuals affected with CBS-related conditions. Advanced modeling of protein sequence and biophysical properties (such as structural, functional, and spatial information, amino acid conservation, physicochemical variation, residue mobility, and thermodynamic stability) performed at Invitae indicates that this missense variant is expected to disrupt CBS protein function with a positive predictive value of 95%. This variant disrupts the p.Cys109 amino acid residue in CBS. Other variant(s) that disrupt this residue have been determined to be pathogenic (PMID: 12124992, 22267502). This suggests that this residue is clinically significant, and that variants that disrupt this residue are likely to be disease-causing. In summary, the currently available evidence indicates that the variant is pathogenic, but additional data are needed to prove that conclusively. Therefore, this variant has been classified as Likely Pathogenic.

Literature cited by the submitters: PubMed 12124992; PubMed 22267502.